The following is an entry in ClinVar:

NM_006379.5(SEMA3C):c.666G>C (p.Met222Ile)

Gene: SEMA3C (semaphorin 3C; minus strand). Cytogenetic location: 7q21.11.
Variant type: single nucleotide variant.
Coding change: c.666G>C on transcript NM_006379.5 (MANE Select); coding-DNA position 666, G replaced by C.
Protein change: p.Met222Ile; replaces methionine 222 with isoleucine.
Molecular consequence: missense variant.
Genome position (GRCh38, 1-based): chr7:80,804,241, C>G on the plus strand (G>C on the coding strand, the complement: SEMA3C is on the minus strand). VCF-style: chr7-80804241-C-G. GRCh37 (hg19) VCF-style: chr7-80433557-C-G.
Other names: c.720G>C, p.Met240Ile (NM_001350120.2); c.492G>C, p.Met164Ile (NM_001350121.2); short protein forms M164I, M222I, M240I.
Identifiers: ClinVar variation 3351173 (VCV003351173.2).

ClinVar aggregate classification (germline): Uncertain significance (1 of 4 stars; one submission).

Conditions:
SEMA3C-related disorder. Also called: SEMA3C-related condition.

gnomAD v4.1: 41 of 1,592,962 alleles (0.0026%); highest among the groups gnomAD compares: Non-Finnish European, 0.0032%; no homozygotes.

Submission:

PreventionGenetics, part of Exact Sciences
Classification: Uncertain significance for SEMA3C-related condition. Last evaluated: 2026-04-03. Review status: criteria provided, single submitter. Criteria: ACMG Guidelines, 2015. Collection method: clinical testing. Allele origin: germline.
Comment: The SEMA3C c.720G>C variant is predicted to result in the amino acid substitution p.Met240Ile. To our knowledge, this variant has not been reported in the literature. This variant is reported in 0.0046% of alleles in individuals of European (Non-Finnish) descent in gnomAD. At this time, the clinical significance of this variant is uncertain due to the absence of conclusive functional and genetic evidence.